The following is an entry in ClinVar:

NM_021224.6(ZNF462):c.1772_1775del (p.Pro591fs)

Gene: ZNF462 (zinc finger protein 462; plus strand). Cytogenetic location: 9q31.2.
Variant type: Microsatellite.
Coding change: c.1772_1775del on transcript NM_021224.6 (MANE Select); coding-DNA positions 1772 to 1775, 4 bases deleted (CCAC; older notation c.1772_1775delCCAC).
Protein change: p.Pro591fs; shifts the reading frame from proline 591.
Molecular consequence: frameshift variant.
Genome position (GRCh38, 1-based): chr9:106,925,684-106,925,687, CCAC deleted; deleting any 4 consecutive bases within chr9:106,925,680-106,925,687 gives the same sequence; the c. name uses the placement nearest the transcript's 3' end. VCF-style (leftmost placement, unchanged base first): chr9-106925679-GCCAC-G. GRCh37 (hg19) VCF-style: chr9-109687960-GCCAC-G.
Other names: c.1772_1775del, p.Pro591fs (NM_001347997.2); short protein forms P591fs.
Identifiers: ClinVar variation 817907 (VCV000817907.1), dbSNP rs1588065447, ClinGen allele CA915947135.

ClinVar aggregate classification (germline): Pathogenic (1 of 4 stars; one submission).

Submission:

GeneDx
Classification: Pathogenic. Last evaluated: 2018-12-01. Review status: criteria provided, single submitter. Criteria: GeneDx Variant Classification (06012015). Collection method: clinical testing. Allele origin: germline. Affected: yes.
Comment: The c.1772_1775delCCAC pathogenic variant in the ZNF462 gene causes a frameshift starting with codon Proline 591, changes this amino acid to a Histidine residue and creates a premature Stop codon at position 21 of the new reading frame, denoted p.Pro591HisfsX21. This pathogenic variant is predicted to cause loss of normal protein function either through protein truncation or nonsense-mediated mRNA decay. The c.1772_1775delCCAC variant is not observed in large population cohorts (Lek et al., 2016).